The following is an entry in ClinVar:

NM_005901.6(SMAD2):c.520+3A>G

Gene: SMAD2 (SMAD family member 2; minus strand). Cytogenetic location: 18q21.1.
Variant type: single nucleotide variant.
Coding change: c.520+3A>G on transcript NM_005901.6 (MANE Select); 3 bases into the intron after coding-DNA position 520, A replaced by G.
Molecular consequence: intron variant.
Genome position (GRCh38, 1-based): chr18:47,869,240, T>C on the plus strand (A>G on the coding strand, the complement: SMAD2 is on the minus strand). VCF-style: chr18-47869240-T-C. GRCh37 (hg19) VCF-style: chr18-45395611-T-C.
Other names: c.430+3A>G (NM_001135937.3); c.520+3A>G (NM_001003652.4).
Identifiers: ClinVar variation 4804657 (VCV004804657.1).

ClinVar aggregate classification (germline): Uncertain significance (1 of 4 stars; one submission).

Submission:

Labcorp Genetics (formerly Invitae), Labcorp
Classification: Uncertain significance. Last evaluated: 2025-08-29. Review status: criteria provided, single submitter. Criteria: Invitae Variant Classification Sherloc (09022015). Collection method: clinical testing. Allele origin: germline.
Comment: This sequence change falls in intron 4 of the SMAD2 gene. It does not directly change the encoded amino acid sequence of the SMAD2 protein. It affects a nucleotide within the consensus splice site. This variant is not present in population databases (gnomAD no frequency). This variant has not been reported in the literature in individuals affected with SMAD2-related conditions. Variants that disrupt the consensus splice site are a relatively common cause of aberrant splicing (PMID: 17576681, 9536098). Algorithms developed to predict the effect of sequence changes on RNA splicing suggest that this variant is not likely to affect RNA splicing. In summary, the available evidence is currently insufficient to determine the role of this variant in disease. Therefore, it has been classified as a Variant of Uncertain Significance.

Literature cited by the submitters: PubMed 17576681; PubMed 9536098.